The following is an entry in ClinVar:

ClinVar aggregate classification (germline): Uncertain significance. Review status: criteria provided, multiple submitters, no conflicts (2 of 4 stars). 3 submissions from 3 submitters: Uncertain significance (3). Last evaluated 2025-06-17.

Conditions:
EP300-related disorder. Also called: EP300-related disorders; EP300-related condition.
Inborn genetic diseases. Identifiers: MedGen C0950123, MeSH D030342.

Allele frequency attached by ClinVar (database versions not stated): gnomAD exomes below 0.00001; TOPMed below 0.00001; ExAC 0.00001.
gnomAD v4.1: 3 of 1,614,016 alleles (0.00019%); no homozygotes.

Submissions (3):

PreventionGenetics, part of Exact Sciences
Classification: Uncertain significance for EP300-related condition. Last evaluated: 2025-06-17. Review status: criteria provided, single submitter. Criteria: ACMG Guidelines, 2015. Collection method: clinical testing. Allele origin: germline.
Comment: The EP300 c.6709G>A variant is predicted to result in the amino acid substitution p.Gly2237Arg. To our knowledge, this variant has not been reported in the literature. This variant is reported in 0.0046% of alleles in individuals of European (Finnish) descent in gnomAD. At this time, the clinical significance of this variant is uncertain due to the absence of conclusive functional and genetic evidence.

GeneDx
Classification: Uncertain significance. Last evaluated: 2023-10-04. Review status: criteria provided, single submitter. Criteria: GeneDx Variant Classification Process June 2021. Collection method: clinical testing. Allele origin: germline. Affected: yes.
Comment: In silico analysis supports that this missense variant has a deleterious effect on protein structure/function; Has not been previously published as pathogenic or benign to our knowledge

Ambry Genetics
Classification: Uncertain significance for Inborn genetic diseases. Last evaluated: 2021-12-14. Review status: criteria provided, single submitter. Criteria: Ambry Variant Classification Scheme 2023. Collection method: clinical testing. Allele origin: germline.

NM_001429.4(EP300):c.6709G>A (p.Gly2237Arg)

Gene: EP300 (EP300 lysine acetyltransferase; plus strand). Cytogenetic location: 22q13.2.
Variant type: single nucleotide variant.
Coding change: c.6709G>A on transcript NM_001429.4 (MANE Select); coding-DNA position 6709, G replaced by A.
Protein change: p.Gly2237Arg; replaces glycine 2237 with arginine.
Molecular consequence: missense variant.
Genome position (GRCh38, 1-based): chr22:41,178,420, G>A. VCF-style: chr22-41178420-G-A. GRCh37 (hg19) VCF-style: chr22-41574424-G-A.
Other names: c.6631G>A, p.Gly2211Arg (NM_001362843.2); short protein forms G2237R, G2211R.
Identifiers: ClinVar variation 2260700 (VCV002260700.4), dbSNP rs773772482, ClinGen allele CA10253935.
Genomic context (GRCh38, chr22:41,178,420, plus strand): 5'-GTTGGCTACCCACCACAGCAGCAGCAGCGGATGCAGCATCACATGCAACAGATGCAACAA[G>A]GAAATATGGGACAGATAGGCCAGCTTCCCCAGGCCTTGGGAGCAGAGGCAGGTGCCAGTC-3'
Protein context (NP_001420.2, residues 2227-2247): MQHHMQQMQQ[Gly2237Arg]NMGQIGQLPQ